The following is an entry in ClinVar:

ClinVar aggregate classification (germline): Uncertain significance (1 of 4 stars; one submission).

Conditions:
Baller-Gerold syndrome (BGS). Also called: CRANIOSYNOSTOSIS WITH RADIAL DEFECTS. Identifiers: Orphanet 1225, MedGen C0265308, MONDO:0009039, OMIM 218600.

Allele frequency attached by ClinVar (database versions not stated): gnomAD exomes below 0.00001; ExAC 0.00001.
gnomAD v4.1: 1 of 1,612,492 alleles (0.000062%); highest among the groups gnomAD compares: Non-Finnish European, 0.000085%; no homozygotes.

Submission:

Labcorp Genetics (formerly Invitae), Labcorp
Classification: Uncertain significance for Baller-Gerold syndrome. Last evaluated: 2020-03-22. Review status: criteria provided, single submitter. Criteria: Invitae Variant Classification Sherloc (09022015). Collection method: clinical testing. Allele origin: germline.
Comment: In summary, the available evidence is currently insufficient to determine the role of this variant in disease. Therefore, it has been classified as a Variant of Uncertain Significance. This variant has not been reported in the literature in individuals with RECQL4-related conditions. This variant is present in population databases (rs757292188, ExAC 0.002%). This sequence change replaces glutamine with histidine at codon 1175 of the RECQL4 protein (p.Gln1175His). The glutamine residue is highly conserved and there is a small physicochemical difference between glutamine and histidine.

NM_004260.4(RECQL4):c.3525G>C (p.Gln1175His)

Gene: RECQL4 (RecQ like helicase 4; minus strand). Cytogenetic location: 8q24.3.
Variant type: single nucleotide variant.
Coding change: c.3525G>C on transcript NM_004260.4 (MANE Select); coding-DNA position 3525, G replaced by C.
Protein change: p.Gln1175His; replaces glutamine 1175 with histidine.
Molecular consequence: missense variant.
Genome position (GRCh38, 1-based): chr8:144,511,533, C>G on the plus strand (G>C on the coding strand, the complement: RECQL4 is on the minus strand). VCF-style: chr8-144511533-C-G. GRCh37 (hg19) VCF-style: chr8-145736916-C-G.
Other names: short protein forms Q1175H.
Identifiers: ClinVar variation 1058675 (VCV001058675.3), dbSNP rs757292188, ClinGen allele CA4947663.